The following is an entry in ClinVar:

NM_000458.4(HNF1B):c.943A>G (p.Met315Val)

Gene: HNF1B (HNF1 homeobox B; minus strand). Cytogenetic location: 17q12.
Variant type: single nucleotide variant.
Coding change: c.943A>G on transcript NM_000458.4 (MANE Select); coding-DNA position 943, A replaced by G.
Protein change: p.Met315Val; replaces methionine 315 with valine.
Molecular consequence: missense variant.
Genome position (GRCh38, 1-based): chr17:37,731,697, T>C on the plus strand (A>G on the coding strand, the complement: HNF1B is on the minus strand). VCF-style: chr17-37731697-T-C. GRCh37 (hg19) VCF-style: chr17-36091688-T-C.
Other names: c.865A>G, p.Met289Val (NM_001165923.4, NM_001304286.2); c.943A>G, p.Met315Val (NM_001411100.1); short protein forms M289V, M315V.
Identifiers: ClinVar variation 4745654 (VCV004745654.1).

ClinVar aggregate classification (germline): Uncertain significance (1 of 4 stars; one submission).

gnomAD v4.1: 6 of 1,614,128 alleles (0.00037%); highest among the groups gnomAD compares: Non-Finnish European, 0.00051%; no homozygotes.

Submission:

Labcorp Genetics (formerly Invitae), Labcorp
Classification: Uncertain significance. Last evaluated: 2025-05-27. Review status: criteria provided, single submitter. Criteria: Invitae Variant Classification Sherloc (09022015). Collection method: clinical testing. Allele origin: germline.
Comment: This sequence change replaces methionine, which is neutral and non-polar, with valine, which is neutral and non-polar, at codon 315 of the HNF1B protein (p.Met315Val). This variant is not present in population databases (gnomAD no frequency). This variant has not been reported in the literature in individuals affected with HNF1B-related conditions. Invitae Evidence Modeling of protein sequence and biophysical properties (such as structural, functional, and spatial information, amino acid conservation, physicochemical variation, residue mobility, and thermodynamic stability) indicates that this missense variant is not expected to disrupt HNF1B protein function with a negative predictive value of 80%. In summary, the available evidence is currently insufficient to determine the role of this variant in disease. Therefore, it has been classified as a Variant of Uncertain Significance.